The following is an entry in ClinVar:

NM_000219.6(KCNE1):c.226G>T (p.Asp76Tyr)

Gene: KCNE1 (potassium voltage-gated channel subfamily E regulatory subunit 1; minus strand). Cytogenetic location: 21q22.12.
Variant type: single nucleotide variant.
Coding change: c.226G>T on transcript NM_000219.6 (MANE Select); coding-DNA position 226, G replaced by T.
Protein change: p.Asp76Tyr; replaces aspartic acid 76 with tyrosine.
Molecular consequence: missense variant.
Genome position (GRCh38, 1-based): chr21:34,449,409, C>A on the plus strand (G>T on the coding strand, the complement: KCNE1 is on the minus strand). VCF-style: chr21-34449409-C-A. GRCh37 (hg19) VCF-style: chr21-35821707-C-A.
Other names: c.226G>T, p.Asp76Tyr (NM_001127668.4, NM_001127669.4, NM_001127670.4 and 4 more transcripts); short protein forms D76Y.
Identifiers: ClinVar variation 3374373 (VCV003374373.2).

Conditions:
Long QT syndrome 5 (LQT5). Identifiers: Orphanet 101016, Orphanet 768, MedGen C1867904, MONDO:0013372, OMIM 613695.

Submission:

Roden Lab, Vanderbilt University Medical Center
No classification provided (evidence only). Condition: Long QT syndrome 5. Review status: no classification provided. Collection method: in vitro. Allele origin: not applicable. Functional consequence: Effect on ion channel function.
ClinVar note: "not provided" was previously submitted as the classification for the variant. However, the classification appeared to be based only on an observation of functional data so it was converted to no classification on 2025-07-30.